The following is an entry in ClinVar:

NM_024675.4(PALB2):c.825del (p.His276fs)

Gene: PALB2 (partner and localizer of BRCA2; minus strand). Cytogenetic location: 16p12.2.
Variant type: Deletion.
Coding change: c.825del on transcript NM_024675.4 (MANE Select); coding-DNA position 825, one base deleted (T; older notation c.825delT).
Protein change: p.His276fs; shifts the reading frame from histidine 276.
Molecular consequence: frameshift variant.
Genome position (GRCh38, 1-based): chr16:23,635,721, A deleted on the plus strand (T on the coding strand, the reverse complement: PALB2 is on the minus strand). VCF-style (leftmost placement, unchanged base first): chr16-23635720-GA-G. GRCh37 (hg19) VCF-style: chr16-23647041-GA-G.
Other names: short protein forms H276fs.
Identifiers: ClinVar variation 1072292 (VCV001072292.10), dbSNP rs2142433522, ClinGen allele CA2499223448.
Genomic context (GRCh38, chr16:23,635,720, plus strand): 5'-TTTTTTTGCCTTGTGCCTCCAAACTTACAGGTGAAGTAAATCTAATGTTTTTTAGGTCGT[GA>G]GTAGTAAGTTCACTGCTACCTTTAGGAGGAATGTGTTCAAGGTGCTGACTACTACCGCTA-3'

ClinVar aggregate classification (germline): Pathogenic. Review status: criteria provided, multiple submitters, no conflicts (2 of 4 stars). 2 submissions from 2 submitters: Pathogenic (2). Last evaluated 2023-01-14.

Conditions:
Hereditary cancer-predisposing syndrome. Also called: Tumor predisposition; Hereditary neoplastic syndrome; Neoplastic Syndromes, Hereditary; Hereditary Cancer Syndrome. Identifiers: Orphanet 140162, MedGen C0027672, MeSH D009386, MONDO:0015356.
Familial cancer of breast. Also called: Hereditary breast cancer; hereditary breast carcinoma; BREAST CANCER, FAMILIAL. Identifiers: Orphanet 227535, MedGen C0346153, MONDO:0016419, OMIM 114480. Disease mechanism: loss of function.

Submissions (2):

Labcorp Genetics (formerly Invitae), Labcorp
Classification: Pathogenic for Familial cancer of breast. Last evaluated: 2023-01-14. Review status: criteria provided, single submitter. Criteria: Invitae Variant Classification Sherloc (09022015). Collection method: clinical testing. Allele origin: germline.
Comment: For these reasons, this variant has been classified as Pathogenic. ClinVar contains an entry for this variant (Variation ID: 1072292). This variant has not been reported in the literature in individuals affected with PALB2-related conditions. This variant is not present in population databases (gnomAD no frequency). This sequence change creates a premature translational stop signal (p.His276Thrfs*3) in the PALB2 gene. It is expected to result in an absent or disrupted protein product. Loss-of-function variants in PALB2 are known to be pathogenic (PMID: 17200668, 17200671, 17200672, 24136930, 25099575).

Ambry Genetics
Classification: Pathogenic for Hereditary cancer-predisposing syndrome. Last evaluated: 2022-02-24. Review status: criteria provided, single submitter. Criteria: Ambry Variant Classification Scheme 2023. Collection method: clinical testing. Allele origin: germline.
Comment: The c.825delT pathogenic mutation, located in coding exon 4 of the PALB2 gene, results from a deletion of one nucleotide at nucleotide position 825, causing a translational frameshift with a predicted alternate stop codon (p.H276Tfs*3). This variant is considered to be rare based on population cohorts in the Genome Aggregation Database (gnomAD). This alteration is expected to result in loss of function by premature protein truncation or nonsense-mediated mRNA decay. As such, this alteration is interpreted as a disease-causing mutation.

Literature cited by the submitters: PubMed 17200668 (cited by Labcorp Genetics (formerly Invitae), Labcorp); PubMed 17200671 (cited by Labcorp Genetics (formerly Invitae), Labcorp); PubMed 17200672 (cited by Labcorp Genetics (formerly Invitae), Labcorp); PubMed 24136930 (cited by Labcorp Genetics (formerly Invitae), Labcorp); PubMed 25099575 (cited by Labcorp Genetics (formerly Invitae), Labcorp).